The following is an entry in ClinVar:

NM_012471.3(TRPC5):c.984A>G (p.Val328=)

Gene: TRPC5 (transient receptor potential cation channel subfamily C member 5; minus strand). Cytogenetic location: Xq23.
Variant type: single nucleotide variant.
Coding change: c.984A>G on transcript NM_012471.3 (MANE Select); coding-DNA position 984, A replaced by G.
Protein change: p.Val328=; no amino-acid change (valine 328 retained).
Molecular consequence: synonymous variant.
Genome position (GRCh38, 1-based): chrX:111,854,023, T>C on the plus strand (A>G on the coding strand, the complement: TRPC5 is on the minus strand). VCF-style: chrX-111854023-T-C. GRCh37 (hg19) VCF-style: chrX-111097251-T-C.
Identifiers: ClinVar variation 2661218 (VCV002661218.25), dbSNP rs144575770, ClinGen allele CA10494357.

ClinVar aggregate classification (germline): Likely benign. Review status: criteria provided, multiple submitters, no conflicts (2 of 4 stars). 2 submissions from 2 submitters: Likely benign (2). Last evaluated 2024-12-31.

Conditions:
TRPC5-related disorder. Also called: TRPC5-related condition.

Allele frequency attached by ClinVar (database versions not stated): gnomAD exomes 0.00002; TOPMed 0.00002; ExAC 0.00004; ESP Exome Variant Server 0.00019.

Submissions (2):

PreventionGenetics, part of Exact Sciences
Classification: Likely benign for TRPC5-related condition. Last evaluated: 2024-12-31. Review status: criteria provided, single submitter. Criteria: ACMG Guidelines, 2015. Collection method: clinical testing. Allele origin: germline.
Comment: This variant is classified as likely benign based on ACMG/AMP sequence variant interpretation guidelines (Richards et al. 2015 PMID: 25741868, with internal and published modifications).

CeGaT Center for Human Genetics Tuebingen
Classification: Likely benign. Last evaluated: 2022-07-01. Review status: criteria provided, single submitter. Criteria: CeGaT Center For Human Genetics Tuebingen Variant Classification Criteria Version 2. Collection method: clinical testing. Allele origin: germline. Affected: yes. Observed: 1 variant allele.
Comment: TRPC5: BP4, BP7